The following is an entry in ClinVar:

NM_017780.4(CHD7):c.5200C>T (p.His1734Tyr)

Gene: CHD7 (chromodomain helicase DNA binding protein 7; plus strand). Cytogenetic location: 8q12.2.
Variant type: single nucleotide variant.
Coding change: c.5200C>T on transcript NM_017780.4 (MANE Select); coding-DNA position 5200, C replaced by T.
Protein change: p.His1734Tyr; replaces histidine 1734 with tyrosine.
Molecular consequence: missense variant. On other transcripts: intron variant (1).
Genome position (GRCh38, 1-based): chr8:60,845,399, C>T. VCF-style: chr8-60845399-C-T. GRCh37 (hg19) VCF-style: chr8-61757958-C-T.
Other names: c.1717-16830C>T (NM_001316690.1); short protein forms H1734Y.
Identifiers: ClinVar variation 1059476 (VCV001059476.9), dbSNP rs1805162137, ClinGen allele CA371320719.

ClinVar aggregate classification (germline): Uncertain significance (1 of 4 stars; one submission).

Conditions:
CHARGE syndrome (CHARGE). Also called: Hittner Hirsch Kreh syndrome; CHARGE ASSOCIATION--COLOBOMA, HEART ANOMALY, CHOANAL ATRESIA, RETARDATION, GENITAL AND EAR ANOMALIES; Coloboma, heart anomaly, choanal atresia, retardation, genital and ear anomalies; CHARGE association; Hall-Hittner syndrome. Identifiers: Orphanet 138, MedGen C0265354, MONDO:0008965.

Allele frequency attached by ClinVar (database versions not stated): gnomAD exomes below 0.00001; gnomAD 0.00001.
gnomAD v4.1: 2 of 1,613,706 alleles (0.00012%); highest among the groups gnomAD compares: Admixed American, 0.0033%; no homozygotes.

Submission:

Labcorp Genetics (formerly Invitae), Labcorp
Classification: Uncertain significance for CHARGE syndrome. Last evaluated: 2020-09-19. Review status: criteria provided, single submitter. Criteria: Invitae Variant Classification Sherloc (09022015). Collection method: clinical testing. Allele origin: germline.
Comment: This sequence change replaces histidine with tyrosine at codon 1734 of the CHD7 protein (p.His1734Tyr). The histidine residue is highly conserved and there is a moderate physicochemical difference between histidine and tyrosine. In summary, the available evidence is currently insufficient to determine the role of this variant in disease. Therefore, it has been classified as a Variant of Uncertain Significance. Advanced modeling of protein sequence and biophysical properties (such as structural, functional, and spatial information, amino acid conservation, physicochemical variation, residue mobility, and thermodynamic stability) performed at Invitae indicates that this missense variant is expected to disrupt CHD7 protein function. This variant has been observed in one or more individuals who were not affected with CHD7-related conditions (Invitae). This variant is not present in population databases (ExAC no frequency).